The following is an entry in ClinVar:

NM_032737.4(LMNB2):c.499C>G (p.Leu167Val)

Gene: LMNB2 (lamin B2; minus strand). Cytogenetic location: 19p13.3.
Variant type: single nucleotide variant.
Coding change: c.499C>G on transcript NM_032737.4 (MANE Select); coding-DNA position 499, C replaced by G.
Protein change: p.Leu167Val; replaces leucine 167 with valine.
Molecular consequence: missense variant.
Genome position (GRCh38, 1-based): chr19:2,438,434, G>C on the plus strand (C>G on the coding strand, the complement: LMNB2 is on the minus strand). VCF-style: chr19-2438434-G-C. GRCh37 (hg19) VCF-style: chr19-2438432-G-C.
Other names: short protein forms L167V.
Identifiers: ClinVar variation 662973 (VCV000662973.10), dbSNP rs1599334955, ClinGen allele CA403257492.

ClinVar aggregate classification (germline): Uncertain significance (1 of 4 stars; one submission).

Conditions:
Lipodystrophy, partial, acquired, susceptibility to (APLD). Also called: APLD, SUSCEPTIBILITY TO. Identifiers: MedGen C3887501, MONDO:0100476, OMIM 608709.
Progressive myoclonic epilepsy type 9. Identifiers: Orphanet 457265, MedGen C4225289, MONDO:0014685, OMIM 616540.

Allele frequency attached by ClinVar (database versions not stated): gnomAD exomes below 0.00001; TOPMed below 0.00001; gnomAD 0.00002.
gnomAD v4.1: 4 of 1,612,486 alleles (0.00025%); highest among the groups gnomAD compares: Admixed American, 0.0033%; no homozygotes.

Submission:

Labcorp Genetics (formerly Invitae), Labcorp
Classification: Uncertain significance for Progressive myoclonic epilepsy type 9; Lipodystrophy, partial, acquired, susceptibility to. Last evaluated: 2019-02-05. Review status: criteria provided, single submitter. Criteria: Invitae Variant Classification Sherloc (09022015). Collection method: clinical testing. Allele origin: germline.
Comment: In summary, the available evidence is currently insufficient to determine the role of this variant in disease. Therefore, it has been classified as a Variant of Uncertain Significance. Algorithms developed to predict the effect of missense changes on protein structure and function (SIFT, PolyPhen-2, Align-GVGD) all suggest that this variant is likely to be disruptive, but these predictions have not been confirmed by published functional studies and their clinical significance is uncertain. This variant has not been reported in the literature in individuals with LMNB2-related disease. This variant is not present in population databases (ExAC no frequency). This sequence change replaces leucine with valine at codon 167 of the LMNB2 protein (p.Leu167Val). The leucine residue is highly conserved and there is a small physicochemical difference between leucine and valine.